The following is an entry in ClinVar:

NM_001205293.3(CACNA1E):c.1031A>G (p.Asn344Ser)

Gene: CACNA1E (calcium voltage-gated channel subunit alpha1 E; plus strand). Cytogenetic location: 1q25.3.
Variant type: single nucleotide variant.
Coding change: c.1031A>G on transcript NM_001205293.3 (MANE Select); coding-DNA position 1031, A replaced by G.
Protein change: p.Asn344Ser; replaces asparagine 344 with serine.
Molecular consequence: missense variant.
Genome position (GRCh38, 1-based): chr1:181,651,417, A>G. VCF-style: chr1-181651417-A-G. GRCh37 (hg19) VCF-style: chr1-181620553-A-G.
Other names: c.1031A>G, p.Asn344Ser (NM_000721.4, NM_001205294.2); short protein forms N344S.
Identifiers: ClinVar variation 4838460 (VCV004838460.1).

ClinVar aggregate classification (germline): Likely pathogenic (1 of 4 stars; one submission).

Conditions:
Inborn genetic diseases. Identifiers: MedGen C0950123, MeSH D030342.

Submission:

Ambry Genetics
Classification: Likely pathogenic for Inborn genetic diseases. Last evaluated: 2026-01-16. Review status: criteria provided, single submitter. Criteria: Ambry Variant Classification Scheme 2023. Collection method: clinical testing. Allele origin: germline.
Comment: The c.1031A>G (p.N344S) alteration is located in exon 7 (coding exon 7) of the CACNA1E gene. This alteration results from an A to G substitution at nucleotide position 1031, causing the asparagine (N) at amino acid position 344 to be replaced by a serine (S). This variant was not reported in population-based cohorts in the Genome Aggregation Database (gnomAD). This amino acid position is highly conserved in available vertebrate species. This missense alteration is located in a region that has a low rate of benign missense variation (Lek, 2016; Firth, 2009). This alteration is predicted to be deleterious by in silico analysis. Based on the available evidence, this alteration is classified as likely pathogenic.